The following is an entry in ClinVar:

ClinVar aggregate classification (germline): Uncertain significance (1 of 4 stars; one submission).

Submission:

Labcorp Genetics (formerly Invitae), Labcorp
Classification: Uncertain significance. Last evaluated: 2024-09-30. Review status: criteria provided, single submitter. Criteria: Invitae Variant Classification Sherloc (09022015). Collection method: clinical testing. Allele origin: germline.
Comment: This sequence change replaces asparagine, which is neutral and polar, with serine, which is neutral and polar, at codon 882 of the ZMIZ1 protein (p.Asn882Ser). This variant is not present in population databases (gnomAD no frequency). This variant has not been reported in the literature in individuals affected with ZMIZ1-related conditions. Invitae Evidence Modeling of protein sequence and biophysical properties (such as structural, functional, and spatial information, amino acid conservation, physicochemical variation, residue mobility, and thermodynamic stability) indicates that this missense variant is not expected to disrupt ZMIZ1 protein function with a negative predictive value of 80%. In summary, the available evidence is currently insufficient to determine the role of this variant in disease. Therefore, it has been classified as a Variant of Uncertain Significance.

NM_020338.4(ZMIZ1):c.2645A>G (p.Asn882Ser)

Gene: ZMIZ1 (zinc finger MIZ-type containing 1; plus strand). Cytogenetic location: 10q22.3.
Variant type: single nucleotide variant.
Coding change: c.2645A>G on transcript NM_020338.4 (MANE Select); coding-DNA position 2645, A replaced by G.
Protein change: p.Asn882Ser; replaces asparagine 882 with serine.
Molecular consequence: missense variant.
Genome position (GRCh38, 1-based): chr10:79,306,321, A>G. VCF-style: chr10-79306321-A-G. GRCh37 (hg19) VCF-style: chr10-81066078-A-G.
Other names: short protein forms N882S.
Identifiers: ClinVar variation 3720708 (VCV003720708.2).